The following is an entry in ClinVar:

NM_000282.4(PCCA):c.1190_1193del (p.Glu397fs)

Gene: PCCA (propionyl-CoA carboxylase subunit alpha; plus strand). Cytogenetic location: 13q32.3.
Variant type: Deletion.
Coding change: c.1190_1193del on transcript NM_000282.4 (MANE Select); coding-DNA positions 1190 to 1193, 4 bases deleted (AATG; older notation c.1190_1193delAATG).
Protein change: p.Glu397fs; shifts the reading frame from glutamic acid 397.
Molecular consequence: frameshift variant. On other transcripts: non-coding transcript variant (5), intron variant (3).
Genome position (GRCh38, 1-based): chr13:100,301,584-100,301,587, AATG deleted; deleting any 4 consecutive bases within chr13:100,301,582-100,301,587 gives the same sequence; the c. name uses the placement nearest the transcript's 3' end. VCF-style (leftmost placement, unchanged base first): chr13-100301581-TTGAA-T. GRCh37 (hg19) VCF-style: chr13-100953835-TTGAA-T.
Other names: c.1112_1115del, p.Glu371fs (NM_001127692.3, NM_001352607.2); c.1190_1193del, p.Glu397fs (NM_001178004.2, NM_001352605.2, NM_001352609.2); c.245_248del, p.Glu82fs (NM_001352610.2, NM_001352611.2); c.1066-1340_1066-1337del (NM_001352606.2); c.121-1340_121-1337del (NM_001352612.2); c.988-1340_988-1337del (NM_001352608.2); c.1190_1193delAATG (NM_000282.3); short protein forms E371fs, E397fs, E82fs.
Identifiers: ClinVar variation 218254 (VCV000218254.12), dbSNP rs879253806, ClinGen allele CA7033526.

ClinVar aggregate classification (germline): Pathogenic. Review status: criteria provided, multiple submitters, no conflicts (2 of 4 stars). 5 submissions from 5 submitters: Pathogenic (4). 1 of the submissions does not count toward it. Last evaluated 2024-11-10.

Conditions:
Propionic acidemia (PROP). Also called: GLYCINEMIA, KETOTIC; HYPERGLYCINEMIA WITH KETOACIDOSIS AND LEUKOPENIA; KETOTIC HYPERGLYCINEMIA. Identifiers: Orphanet 35, MedGen C0268579, MONDO:0011628, OMIM 606054, HP:0003571.

Submissions (5):

Natera, Inc.
Classification: Pathogenic for Propionic acidemia. Last evaluated: 2024-11-10. Review status: criteria provided, single submitter. Criteria: Natera Variant Classification Schema (03/2026). Collection method: clinical testing. Allele origin: germline.
Comment: The c.1190_1193delAATG variant in PCCA is a frameshift variant predicted to shift the reading frame beginning at codon 397 and leads to a stop codon 51 codons downstream. This variant is expected to result in nonsense mediated decay, truncation, or a dysfunctional protein product. This variant is rare in the general population with a frequency below the threshold expected for the associated phenotype(s). This variant has been observed in one or more individuals affected with the associated recessive disease, as either homozygous or compound heterozygous with a second variant (PMID: 27227689, 9887338). Given the available evidence, this variant is classified as Pathogenic.

Labcorp Genetics (formerly Invitae), Labcorp
Classification: Pathogenic for Propionic acidemia. Last evaluated: 2023-11-05. Review status: criteria provided, single submitter. Criteria: Invitae Variant Classification Sherloc (09022015). Collection method: clinical testing. Allele origin: germline.
Comment: This sequence change creates a premature translational stop signal (p.Glu397Valfs*51) in the PCCA gene. It is expected to result in an absent or disrupted protein product. Loss-of-function variants in PCCA are known to be pathogenic (PMID: 15464417). This variant is present in population databases (rs779726158, gnomAD 0.003%). This premature translational stop signal has been observed in individual(s) with propionic acidemia (PMID: 9887338, 27227689). This variant is also known as 1115del4. ClinVar contains an entry for this variant (Variation ID: 218254). For these reasons, this variant has been classified as Pathogenic.

Revvity Omics, Revvity
Classification: Pathogenic for Propionic acidemia. Last evaluated: 2022-04-27. Review status: criteria provided, single submitter. Criteria: ACMG Guidelines, 2015. Collection method: clinical testing. Allele origin: germline.

Institute of Medical Genetics and Genomics, Sir Ganga Ram Hospital
Classification: Pathogenic for Propionic Acidemia. Last evaluated: 2013-01-01. Review status: criteria provided, single submitter. Criteria: Gupta et al. (Genet Test Mol Biomarkers 2016). Collection method: research. Allele origin: germline. Affected: yes. Observed: 1 variant allele. Study: ORGANIC ACIDURIAS.
Comment: Small deletion mutation

Counsyl
Classification: Pathogenic for Propionic acidemia. Last evaluated: 2017-12-18. Review status: no assertion criteria provided. Collection method: clinical testing. Allele origin: unknown. Not counted in ClinVar's aggregate classification.

Literature cited by the submitters: PubMed 27227689 (cited by 3 submitters); PubMed 9887338 (cited by 3 submitters); PubMed 15464417 (cited by Labcorp Genetics (formerly Invitae), Labcorp).